The following is an entry in ClinVar:

NM_001457.4(FLNB):c.5728+88G>A

Gene: FLNB (filamin B; plus strand). Cytogenetic location: 3p14.3.
Variant type: single nucleotide variant.
Coding change: c.5728+88G>A on transcript NM_001457.4 (MANE Select); 88 bases into the intron after coding-DNA position 5728, G replaced by A.
Molecular consequence: intron variant.
Genome position (GRCh38, 1-based): chr3:58,147,081, G>A. VCF-style: chr3-58147081-G-A. GRCh37 (hg19) VCF-style: chr3-58132808-G-A.
Other names: c.5821+88G>A (NM_001164317.2); c.5695+88G>A (NM_001164318.2); c.5656+88G>A (NM_001164319.2).
Identifiers: ClinVar variation 674881 (VCV000674881.2), dbSNP rs9809281, ClinGen allele CA11362528.

ClinVar aggregate classification (germline): Benign. Review status: criteria provided, multiple submitters, no conflicts (2 of 4 stars). 2 submissions from 2 submitters: Benign (2). Last evaluated 2018-06-14.

Allele frequency attached by ClinVar (database versions not stated): 1000 Genomes Project 0.13039; 1000 Genomes Project 30x 0.13086; TOPMed 0.19165; gnomAD 0.19672 and 0.19720; gnomAD exomes 0.24781.
gnomAD v4.1: 329,255 of 1,359,966 alleles (24%); highest among the groups gnomAD compares: Middle Eastern, 35%; 42,559 homozygotes.

Submissions (2):

GeneDx
Classification: Benign. Last evaluated: 2018-06-14. Review status: criteria provided, single submitter. Criteria: GeneDx Variant Classification (06012015). Collection method: clinical testing. Allele origin: germline. Affected: yes.
Comment: This variant is considered likely benign or benign based on one or more of the following criteria: it is a conservative change, it occurs at a poorly conserved position in the protein, it is predicted to be benign by multiple in silico algorithms, and/or has population frequency not consistent with disease.

Breakthrough Genomics
Classification: Benign. Review status: criteria provided, single submitter. Criteria: ACMG Guidelines, 2015. Collection method: not provided. Allele origin: germline. Inheritance: Autosomal recessive inheritance. Affected: yes.